The following is an entry in ClinVar:

NM_015559.3(SETBP1):c.4154C>T (p.Ala1385Val)

Gene: SETBP1 (SET binding protein 1; plus strand). Cytogenetic location: 18q12.3.
Variant type: single nucleotide variant.
Coding change: c.4154C>T on transcript NM_015559.3 (MANE Select); coding-DNA position 4154, C replaced by T.
Protein change: p.Ala1385Val; replaces alanine 1385 with valine.
Molecular consequence: missense variant.
Genome position (GRCh38, 1-based): chr18:45,038,638, C>T. VCF-style: chr18-45038638-C-T. GRCh37 (hg19) VCF-style: chr18-42618603-C-T.
Other names: c.4154C>T, p.Ala1385Val (NM_001379141.1, NM_001379142.1); short protein forms A1385V.
Identifiers: ClinVar variation 1878892 (VCV001878892.1), dbSNP rs2073448500, ClinGen allele CA402482633.

ClinVar aggregate classification (germline): Uncertain significance (1 of 4 stars; one submission).

Allele frequency attached by ClinVar (database versions not stated): gnomAD exomes below 0.00001.
gnomAD v4.1: 1 of 1,614,168 alleles (0.000062%); highest among the groups gnomAD compares: African/African-American, 0.0013%; no homozygotes.

Submission:

GeneDx
Classification: Uncertain significance. Last evaluated: 2022-07-15. Review status: criteria provided, single submitter. Criteria: GeneDx Variant Classification Process June 2021. Collection method: clinical testing. Allele origin: germline. Affected: yes.
Comment: Not observed at significant frequency in large population cohorts (gnomAD); In silico analysis supports that this missense variant does not alter protein structure/function; Has not been previously published as pathogenic or benign to our knowledge